The following is an entry in ClinVar:

NM_001267550.2(TTN):c.59181G>A (p.Trp19727Ter)

Genes: TTN (titin; minus strand), TTN-AS1 (TTN antisense RNA 1; plus strand). Cytogenetic location: 2q31.2.
Variant type: single nucleotide variant.
Coding change: c.59181G>A on transcript NM_001267550.2 (MANE Select); coding-DNA position 59181, G replaced by A.
Protein change: p.Trp19727Ter; replaces tryptophan 19727 with a stop codon.
Molecular consequence: nonsense.
Genome position (GRCh38, 1-based): chr2:178,592,938, C>T on the plus strand (G>A on the coding strand, the complement: TTN is on the minus strand). VCF-style: chr2-178592938-C-T. GRCh37 (hg19) VCF-style: chr2-179457665-C-T.
Other names: c.54258G>A, p.Trp18086Ter (NM_001256850.1); c.31986G>A, p.Trp10662Ter (NM_003319.4); c.51477G>A, p.Trp17159Ter (NM_133378.4); c.32361G>A, p.Trp10787Ter (NM_133432.3); c.32562G>A, p.Trp10854Ter (NM_133437.4); short protein forms W10662*, W10787*, W10854*, W17159*, W18086*, W19727*.
Identifiers: ClinVar variation 3893253 (VCV003893253.3).

ClinVar aggregate classification (germline): Likely pathogenic. Review status: criteria provided, multiple submitters, no conflicts (2 of 4 stars). 3 submissions from 3 submitters: Likely pathogenic (3). Last evaluated 2025-03-05.

Conditions:
Autosomal recessive limb-girdle muscular dystrophy type 2J (LGMDR10). Also called: Limb-girdle muscular dystrophy, type 2J; MUSCULAR DYSTROPHY, LIMB-GIRDLE, AUTOSOMAL RECESSIVE 10. Identifiers: Orphanet 140922, MedGen C1837342, MONDO:0012127, OMIM 608807.
Dilated cardiomyopathy 1G (CMD1G). Identifiers: Orphanet 154, MedGen C1858763, MONDO:0011400, OMIM 604145.
Primary dilated cardiomyopathy (DCM). Also called: Dilated Cardiomyopathy. Identifiers: Orphanet 217604, MedGen C0007193, MeSH D002311, MONDO:0005021, HP:0001644. Inheritance: Various modes of inheritance.
TTN-related disorder. Also called: TTN-related condition; TTN-related disease; TTN-related disorders.

Submissions (3):

Labcorp Genetics (formerly Invitae), Labcorp
Classification: Likely pathogenic for Dilated cardiomyopathy 1G; Autosomal recessive limb-girdle muscular dystrophy type 2J. Last evaluated: 2025-03-05. Review status: criteria provided, single submitter. Criteria: Invitae Variant Classification Sherloc (09022015). Collection method: clinical testing. Allele origin: germline.
Comment: This sequence change creates a premature translational stop signal (p.Trp19727*) in the TTN gene. While this is not anticipated to result in nonsense mediated decay, it is expected to create a truncated TTN protein. This variant is not present in population databases (gnomAD no frequency). This variant has not been reported in the literature in individuals affected with TTN-related conditions. This variant is located in the A band of TTN (PMID: 25589632). Truncating variants in this region are significantly overrepresented in patients affected with dilated cardiomyopathy (PMID: 25589632). Truncating variants in this region have also been reported in individuals affected with autosomal recessive centronuclear myopathy (PMID: 23975875). In summary, the currently available evidence indicates that the variant is pathogenic, but additional data are needed to prove that conclusively. Therefore, this variant has been classified as Likely Pathogenic.

Illumina Laboratory Services, Illumina
Classification: Likely pathogenic for Primary dilated cardiomyopathy. Last evaluated: 2024-03-11. Review status: criteria provided, single submitter. Criteria: ICSLVariantClassificationCriteria RUGD 01 April 2020. Collection method: clinical testing. Allele origin: unknown.
Comment: The TTN c.59181G>A p.(Trp19727Ter) nonsense variant is expected to result in the loss of normal protein function through either protein truncation or nonsense-mediated mRNA decay. This variant is located in exon 300 of the meta transcript of titin within the A-band, which is highly expressed in cardiac tissue (PMID: 25589632). In a meta-analysis of TTN truncating variants in DCM patients and controls, variants in this region were associated with a significantly increased risk of developing DCM (odds ratio 49.8) (PMID: 27869827). This variant is not observed in version 2.1.1 or version 4.0.0 of the Genome Aggregation Database. Based on the available evidence, the c.59181G>A p.(Trp19727Ter) variant is classified as likely pathogenic for dilated cardiomyopathy.

Blueprint Genetics
Classification: Likely pathogenic for TTN-related disorders. Last evaluated: 2021-08-18. Review status: criteria provided, single submitter. Criteria: ACMG Guidelines, 2015. Collection method: clinical testing. Allele origin: germline. Affected: yes. Observed: 3 variant alleles.

Literature cited by the submitters: PubMed 25589632 (cited by Labcorp Genetics (formerly Invitae), Labcorp and Illumina Laboratory Services, Illumina); PubMed 23975875 (cited by Labcorp Genetics (formerly Invitae), Labcorp); PubMed 27869827 (cited by Illumina Laboratory Services, Illumina).